The following is an entry in ClinVar:

ClinVar aggregate classification (germline): Uncertain significance (1 of 4 stars; one submission).

Conditions:
Brugada syndrome. Also called: Sudden unexpected nocturnal death syndrome; Sudden Unexplained Death Syndrome; Sudden Unexplained Nocturnal Death Syndrome (SUNDS); Sudden unexplained nocturnal death syndrome. Identifiers: Orphanet 130, MedGen C1142166, MONDO:0015263.

Allele frequency attached by ClinVar (database versions not stated): ExAC 0.00001; gnomAD exomes 0.00001 and 0.00003; TOPMed 0.00001; gnomAD 0.00002.
gnomAD v4.1: 47 of 1,588,554 alleles (0.003%); highest among the groups gnomAD compares: Non-Finnish European, 0.0037%; no homozygotes.

Submission:

Labcorp Genetics (formerly Invitae), Labcorp
Classification: Uncertain significance for Brugada syndrome. Last evaluated: 2024-09-23. Review status: criteria provided, single submitter. Criteria: Invitae Variant Classification Sherloc (09022015). Collection method: clinical testing. Allele origin: germline.
Comment: This sequence change replaces isoleucine, which is neutral and non-polar, with valine, which is neutral and non-polar, at codon 314 of the SLMAP protein (p.Ile314Val). This variant is present in population databases (rs776232087, gnomAD 0.002%). This variant has not been reported in the literature in individuals affected with SLMAP-related conditions. ClinVar contains an entry for this variant (Variation ID: 941391). An algorithm developed to predict the effect of missense changes on protein structure and function (PolyPhen-2) suggests that this variant is likely to be tolerated. In summary, the available evidence is currently insufficient to determine the role of this variant in disease. Therefore, it has been classified as a Variant of Uncertain Significance.

NM_001377540.1(SLMAP):c.940A>G (p.Ile314Val)

Gene: SLMAP (sarcolemma associated protein; plus strand). Cytogenetic location: 3p14.3.
Variant type: single nucleotide variant.
Coding change: c.940A>G on transcript NM_001377540.1 (MANE Select); coding-DNA position 940, A replaced by G.
Protein change: p.Ile314Val; replaces isoleucine 314 with valine.
Molecular consequence: missense variant. On other transcripts: non-coding transcript variant (1).
Genome position (GRCh38, 1-based): chr3:57,862,060, A>G. VCF-style: chr3-57862060-A-G. GRCh37 (hg19) VCF-style: chr3-57847787-A-G.
Other names: c.940A>G, p.Ile314Val (NM_001304420.3, NM_001304421.2, NM_001377538.1 and 17 more transcripts); short protein forms I314V.
Identifiers: ClinVar variation 941391 (VCV000941391.6), dbSNP rs776232087, ClinGen allele CA2466969.